The following is an entry in ClinVar:

NM_000393.5(COL5A2):c.3431A>G (p.His1144Arg)

Gene: COL5A2 (collagen type V alpha 2 chain; minus strand). Cytogenetic location: 2q32.2.
Variant type: single nucleotide variant.
Coding change: c.3431A>G on transcript NM_000393.5 (MANE Select); coding-DNA position 3431, A replaced by G.
Protein change: p.His1144Arg; replaces histidine 1144 with arginine.
Molecular consequence: missense variant.
Genome position (GRCh38, 1-based): chr2:189,043,191, T>C on the plus strand (A>G on the coding strand, the complement: COL5A2 is on the minus strand). VCF-style: chr2-189043191-T-C. GRCh37 (hg19) VCF-style: chr2-189907917-T-C.
Other names: short protein forms H1144R.
Identifiers: ClinVar variation 452845 (VCV000452845.2), dbSNP rs1418496907, ClinGen allele CA349860829.

ClinVar aggregate classification (germline): Uncertain significance (1 of 4 stars; one submission).

Allele frequency attached by ClinVar (database versions not stated): gnomAD 0.00001 and 0.00006; TOPMed 0.00001.
gnomAD v4.1: 1 of 1,613,842 alleles (0.000062%); highest among the groups gnomAD compares: Non-Finnish European, 0.000085%; no homozygotes.

Submission:

GeneDx
Classification: Uncertain significance. Last evaluated: 2017-10-20. Review status: criteria provided, single submitter. Criteria: GeneDx Variant Classification (06012015). Collection method: clinical testing. Allele origin: germline. Affected: yes.
Comment: The H1144R variant in the COL5A2 gene has not been reported previously as a pathogenic variant, nor as a benign variant, to our knowledge. The H1144R variant is not observed at a significant frequency in large population cohorts (Lek et al., 2016). The H1144R variant is a conservative amino acid substitution, which is not likely to impact secondary protein structure as these residues share similar properties. This substitution occurs at a position that is conserved across species. In silico analysis predicts this variant is probably damaging to the protein structure/function. We interpret H1144R as a variant of uncertain significance.